The following is an entry in ClinVar:

ClinVar aggregate classification (germline): Uncertain significance (1 of 4 stars; one submission).

Allele frequency attached by ClinVar (database versions not stated): gnomAD exomes below 0.00001; ExAC 0.00001.
gnomAD v4.1: 5 of 1,614,038 alleles (0.00031%); highest among the groups gnomAD compares: South Asian, 0.0033%; no homozygotes.

Submission:

Labcorp Genetics (formerly Invitae), Labcorp
Classification: Uncertain significance. Last evaluated: 2023-08-17. Review status: criteria provided, single submitter. Criteria: Invitae Variant Classification Sherloc (09022015). Collection method: clinical testing. Allele origin: germline.
Comment: In summary, the available evidence is currently insufficient to determine the role of this variant in disease. Therefore, it has been classified as a Variant of Uncertain Significance. Advanced modeling of protein sequence and biophysical properties (such as structural, functional, and spatial information, amino acid conservation, physicochemical variation, residue mobility, and thermodynamic stability) performed at Invitae indicates that this missense variant is not expected to disrupt TRRAP protein function. ClinVar contains an entry for this variant (Variation ID: 1713906). This variant has not been reported in the literature in individuals affected with TRRAP-related conditions. This variant is present in population databases (rs781875758, gnomAD 0.006%). This sequence change replaces tyrosine, which is neutral and polar, with cysteine, which is neutral and slightly polar, at codon 985 of the TRRAP protein (p.Tyr985Cys).

NM_001375524.1(TRRAP):c.2954A>G (p.Tyr985Cys)

Gene: TRRAP (transformation/transcription domain associated protein; plus strand). Cytogenetic location: 7q22.1.
Variant type: single nucleotide variant.
Coding change: c.2954A>G on transcript NM_001375524.1 (MANE Select); coding-DNA position 2954, A replaced by G.
Protein change: p.Tyr985Cys; replaces tyrosine 985 with cysteine.
Molecular consequence: missense variant.
Genome position (GRCh38, 1-based): chr7:98,925,242, A>G. VCF-style: chr7-98925242-A-G. GRCh37 (hg19) VCF-style: chr7-98522865-A-G.
Other names: c.2954A>G, p.Tyr985Cys (NM_001244580.2, NM_003496.4); short protein forms Y985C.
Identifiers: ClinVar variation 1713906 (VCV001713906.5), dbSNP rs781875758, ClinGen allele CA4359883.